The following is an entry in ClinVar:

NM_182914.3(SYNE2):c.20519T>A (p.Val6840Asp)

Gene: SYNE2 (spectrin repeat containing nuclear envelope protein 2; plus strand). Cytogenetic location: 14q23.2.
Variant type: single nucleotide variant.
Coding change: c.20519T>A on transcript NM_182914.3 (MANE Select); coding-DNA position 20519, T replaced by A.
Protein change: p.Val6840Asp; replaces valine 6840 with aspartic acid.
Molecular consequence: missense variant.
Genome position (GRCh38, 1-based): chr14:64,225,321, T>A. VCF-style: chr14-64225321-T-A. GRCh37 (hg19) VCF-style: chr14-64692039-T-A.
Other names: c.20453T>A, p.Val6818Asp (NM_015180.6); c.1085T>A, p.Val362Asp (NM_182910.2); c.1466T>A, p.Val489Asp (NM_182913.4); short protein forms V6840D, V489D, V6818D, V362D.
Identifiers: ClinVar variation 581589 (VCV000581589.10), dbSNP rs758858068, ClinGen allele CA7224933.

ClinVar aggregate classification (germline): Uncertain significance. Review status: criteria provided, multiple submitters, no conflicts (2 of 4 stars). 2 submissions from 2 submitters: Uncertain significance (2). Last evaluated 2025-08-29.

Conditions:
Emery-Dreifuss muscular dystrophy 5, autosomal dominant (EDMD5). Also called: EMERY-DREIFUSS MUSCULAR DYSTROPHY 5. Identifiers: Orphanet 261, MedGen C2751805, MONDO:0013072, OMIM 612999.

Allele frequency attached by ClinVar (database versions not stated): gnomAD 0.00001; TOPMed 0.00001; 1000 Genomes Project 30x 0.00031.

Submissions (2):

Ambry Genetics
Classification: Uncertain significance. Last evaluated: 2025-08-29. Review status: criteria provided, single submitter. Criteria: Ambry Variant Classification Scheme 2023. Collection method: clinical testing. Allele origin: germline.

Labcorp Genetics (formerly Invitae), Labcorp
Classification: Uncertain significance for Emery-Dreifuss muscular dystrophy 5, autosomal dominant. Last evaluated: 2018-06-08. Review status: criteria provided, single submitter. Criteria: Invitae Variant Classification Sherloc (09022015). Collection method: clinical testing. Allele origin: germline.
Comment: This sequence change replaces valine with aspartic acid at codon 6840 of the SYNE2 protein (p.Val6840Asp). The valine residue is weakly conserved and there is a large physicochemical difference between valine and aspartic acid. In summary, the available evidence is currently insufficient to determine the role of this variant in disease. Therefore, it has been classified as a Variant of Uncertain Significance. Algorithms developed to predict the effect of missense changes on protein structure and function are either unavailable or do not agree on the potential impact of this missense change (SIFT: "Tolerated"; PolyPhen-2: "Possibly Damaging"; Align-GVGD: "Class C0"). This variant has not been reported in the literature in individuals with SYNE2-related disease. This variant is present in population databases (rs758858068, ExAC 0.01%).